The following is an entry in ClinVar:

ClinVar aggregate classification (germline): Uncertain significance (1 of 4 stars; one submission).

Submission:

Labcorp Genetics (formerly Invitae), Labcorp
Classification: Uncertain significance. Last evaluated: 2023-03-17. Review status: criteria provided, single submitter. Criteria: Invitae Variant Classification Sherloc (09022015). Collection method: clinical testing. Allele origin: germline.
Comment: In summary, the available evidence is currently insufficient to determine the role of this variant in disease. Therefore, it has been classified as a Variant of Uncertain Significance. An algorithm developed to predict the effect of missense changes on protein structure and function (PolyPhen-2) suggests that this variant is likely to be tolerated. This variant has not been reported in the literature in individuals affected with KIF23-related conditions. This variant is not present in population databases (gnomAD no frequency). This sequence change replaces threonine, which is neutral and polar, with serine, which is neutral and polar, at codon 184 of the KIF23 protein (p.Thr184Ser).

NM_001367805.3(KIF23):c.551C>G (p.Thr184Ser)

Gene: KIF23 (kinesin family member 23; plus strand). Cytogenetic location: 15q23.
Variant type: single nucleotide variant.
Coding change: c.551C>G on transcript NM_001367805.3 (MANE Select); coding-DNA position 551, C replaced by G.
Protein change: p.Thr184Ser; replaces threonine 184 with serine.
Molecular consequence: missense variant. On other transcripts: non-coding transcript variant (2).
Genome position (GRCh38, 1-based): chr15:69,422,423, C>G. VCF-style: chr15-69422423-C-G. GRCh37 (hg19) VCF-style: chr15-69714762-C-G.
Other names: c.221C>G, p.Thr74Ser (NM_001281301.2); c.551C>G, p.Thr184Ser (NM_001367804.2, NM_004856.7, NM_138555.4); short protein forms T74S, T184S.
Identifiers: ClinVar variation 3009039 (VCV003009039.3), dbSNP rs1327392281, ClinGen allele CA393002526.